The following is an entry in ClinVar:

ClinVar aggregate classification (germline): Uncertain significance. Review status: criteria provided, multiple submitters, no conflicts (2 of 4 stars). 3 submissions from 3 submitters: Uncertain significance (3). Last evaluated 2025-11-06.

Conditions:
Fanconi anemia complementation group P. Also called: SLX4-Related Fanconi Anemia. Identifiers: Orphanet 84, MedGen C3469542, MONDO:0013499, OMIM 613951.
Fanconi anemia (FA). Also called: Fanconi's anemia. Identifiers: Orphanet 84, MedGen C0015625, MeSH D005199, MONDO:0019391.

Allele frequency attached by ClinVar (database versions not stated): gnomAD exomes below 0.00001 and 0.00001; gnomAD 0.00001; TOPMed 0.00001.
gnomAD v4.1: 10 of 1,614,092 alleles (0.00062%); highest among the groups gnomAD compares: Middle Eastern, 0.049%; no homozygotes.

Submissions (3):

Labcorp Genetics (formerly Invitae), Labcorp
Classification: Uncertain significance for Fanconi anemia. Last evaluated: 2025-11-06. Review status: criteria provided, single submitter. Criteria: Invitae Variant Classification Sherloc (09022015). Collection method: clinical testing. Allele origin: germline.
Comment: This sequence change replaces serine, which is neutral and polar, with phenylalanine, which is neutral and non-polar, at codon 1567 of the SLX4 protein (p.Ser1567Phe). This variant is present in population databases (rs755754734, gnomAD 0.003%). This missense change has been observed in individual(s) with clinical features of SLX4-related conditions (PMID: 30306255, 30995915). ClinVar contains an entry for this variant (Variation ID: 1675132). An algorithm developed to predict the effect of missense changes on protein structure and function (PolyPhen-2) suggests that this variant is likely to be disruptive. In summary, the available evidence is currently insufficient to determine the role of this variant in disease. Therefore, it has been classified as a Variant of Uncertain Significance.

Fulgent Genetics
Classification: Uncertain significance for Fanconi anemia complementation group P. Last evaluated: 2024-01-20. Review status: criteria provided, single submitter. Criteria: ACMG Guidelines, 2015. Collection method: clinical testing. Allele origin: germline.

Center for Genomics, Ann and Robert H. Lurie Children's Hospital of Chicago
Classification: Uncertain significance for Fanconi anemia complementation group P. Last evaluated: 2021-07-15. Review status: criteria provided, single submitter. Criteria: ACMG Guidelines, 2015. Collection method: clinical testing. Allele origin: germline.
Comment: SLX4 NM_032444.2 exon 13 p.Ser1567Phe (c.4700C>T):This variant has been reported in the literature in at least 2 individuals, 1 with suspected telomeropathy and 1 with suspected hereditary breast and/or ovarian cancer (Bonache 2018 PMID:30306255, Arias Salgado 2019 PMID:30995915). This variant is not present in large control databases. Evolutionary conservation and computational predictive tools suggest that this variant may impact the protein. In summary, data on this variant is insufficient for disease classification. Therefore, the clinical significance of this variant is uncertain.

Literature cited by the submitters: PubMed 30306255 (cited by Labcorp Genetics (formerly Invitae), Labcorp); PubMed 30995915 (cited by Labcorp Genetics (formerly Invitae), Labcorp).

NM_032444.4(SLX4):c.4700C>T (p.Ser1567Phe)

Gene: SLX4 (SLX4 structure-specific endonuclease subunit; minus strand). Cytogenetic location: 16p13.3.
Variant type: single nucleotide variant.
Coding change: c.4700C>T on transcript NM_032444.4 (MANE Select); coding-DNA position 4700, C replaced by T.
Protein change: p.Ser1567Phe; replaces serine 1567 with phenylalanine.
Molecular consequence: missense variant.
Genome position (GRCh38, 1-based): chr16:3,584,808, G>A on the plus strand (C>T on the coding strand, the complement: SLX4 is on the minus strand). VCF-style: chr16-3584808-G-A. GRCh37 (hg19) VCF-style: chr16-3634809-G-A.
Other names: short protein forms S1567F.
Identifiers: ClinVar variation 1675132 (VCV001675132.5), dbSNP rs755754734, ClinGen allele CA276953511.
Genomic context (GRCh38, chr16:3,584,808, plus strand): 5'-CAAGCTTTGAAGACCGCCAACCTATCCAGTTCCTTCTTCAGCACCGGCGTCTCCATAATG[G>A]AATACTGTGGCATCGGCGTTATGGGCACTTTGGGGGGCAAGTTCTTCTTCCGATTAGCAC-3'
Protein context (NP_115820.2, residues 1557-1577): KVPITPMPQY[Ser1567Phe]IMETPVLKKE